The following is an entry in ClinVar:

NM_001845.6(COL4A1):c.3972C>T (p.Leu1324=)

Gene: COL4A1 (collagen type IV alpha 1 chain; minus strand). Cytogenetic location: 13q34.
Variant type: single nucleotide variant.
Coding change: c.3972C>T on transcript NM_001845.6 (MANE Select); coding-DNA position 3972, C replaced by T.
Protein change: p.Leu1324=; no amino-acid change (leucine 1324 retained).
Molecular consequence: synonymous variant.
Genome position (GRCh38, 1-based): chr13:110,166,281, G>A on the plus strand (C>T on the coding strand, the complement: COL4A1 is on the minus strand). VCF-style: chr13-110166281-G-A. GRCh37 (hg19) VCF-style: chr13-110818628-G-A.
Other names: c.3972C>T (NM_001845.5).
Identifiers: ClinVar variation 311032 (VCV000311032.20), dbSNP rs535848796, ClinGen allele CA7047073.
Genomic context (GRCh38, chr13:110,166,281, plus strand): 5'-AACTCTCCTACCTTTAGCTCCCGGGACGCCTTGATCGCCTTGATCACCTTTAATTCCCTG[G>A]AGGCCAGGAAGACCTTTTGGACCTAAAAGCAGAGGGAAAGCACTGTCTTGCACAGAATTC-3'
Protein context (NP_001836.3, residues 1314-1334): GFQGPKGLPG[Leu1324=]QGIKGDQGDQ

ClinVar aggregate classification (germline): Benign/Likely benign. Review status: criteria provided, multiple submitters, no conflicts (2 of 4 stars). 6 submissions from 5 submitters: Benign (3); Likely benign (2). 1 of the submissions does not count toward it. Last evaluated 2026-01-10.

Conditions:
Autosomal dominant familial hematuria-retinal arteriolar tortuosity-contractures syndrome. Also called: Hereditary Angiopathy with Nephropathy, Aneurysms, and Muscle Cramps (HANAC) Syndrome; Angiopathy, hereditary, with nephropathy, aneurysms, and muscle cramps. Identifiers: Orphanet 73229, MedGen C2673195, MONDO:0012726, OMIM 611773.
Microangiopathy and leukoencephalopathy, pontine, autosomal dominant. Also called: DEMENTIA, HEREDITARY MULTI-INFARCT, SWEDISH TYPE; Pontine autosomal dominant microangiopathy with leukoencephalopathy. Identifiers: Orphanet 477749, MedGen C5231411, MONDO:0032814, OMIM 618564.
Brain small vessel disease 1 with or without ocular anomalies (BSVD1). Also called: PORENCEPHALY, TYPE 1, AUTOSOMAL DOMINANT; Brain small vessel disease with or without ocular anomalies; GOULD SYNDROME 1; BRAIN SMALL VESSEL DISEASE WITH HEMORRHAGE. Identifiers: Orphanet 2940, Orphanet 36383, Orphanet 99810, MedGen C4755307, MONDO:0008289, OMIM 175780.
Hemorrhage, intracerebral, susceptibility to (ICH). Also called: Stroke, hemorrhagic, susceptibility to. Identifiers: MedGen C3281105, MONDO:0100533, OMIM 614519.
Retinal arterial tortuosity. Also called: RETINAL HEMORRHAGE WITH VASCULAR TORTUOSITY; Retinal arteries, tortuosity of. Identifiers: Orphanet 75326, MedGen C0423401, MONDO:0008373, OMIM 180000, HP:0000631.
COL4A1-related disorder. Also called: COL4A1-related disorders; COL4A1-related condition. Identifiers: MedGen CN376119, MONDO:0800461.

Allele frequency attached by ClinVar (database versions not stated): gnomAD below 0.00001 and 0.00007; TOPMed 0.00002; gnomAD exomes 0.00015 and 0.00035; ExAC 0.00036; 1000 Genomes Project 30x 0.00062; 1000 Genomes Project 0.00080.
gnomAD v4.1: 230 of 1,612,520 alleles (0.014%); highest among the groups gnomAD compares: South Asian, 0.23%; 3 homozygotes.

Submissions (6):

Labcorp Genetics (formerly Invitae), Labcorp
Classification: Benign. Last evaluated: 2026-01-10. Review status: criteria provided, single submitter. Criteria: Invitae Variant Classification Sherloc (09022015). Collection method: clinical testing. Allele origin: germline.

Blueprint Genetics
Classification: Likely benign. Last evaluated: 2024-11-18. Review status: criteria provided, single submitter. Criteria: ACMG Guidelines, 2015. Collection method: clinical testing. Allele origin: germline.

Fulgent Genetics
Classification: Likely benign for Brain small vessel disease 1 with or without ocular anomalies; Retinal arterial tortuosity; Autosomal dominant familial hematuria-retinal arteriolar tortuosity-contractures syndrome; Hemorrhage, intracerebral, susceptibility to; Microangiopathy and leukoencephalopathy, pontine, autosomal dominant. Last evaluated: 2021-10-20. Review status: criteria provided, single submitter. Criteria: ACMG Guidelines, 2015. Collection method: clinical testing. Allele origin: unknown.

Illumina Laboratory Services, Illumina
Classification: Benign for Autosomal dominant familial hematuria-retinal arteriolar tortuosity-contractures syndrome. Last evaluated: 2018-01-13. Review status: criteria provided, single submitter. Criteria: ICSL Variant Classification Criteria 13 December 2019. Collection method: clinical testing. Allele origin: germline.
Comment: This variant was observed in the ICSL laboratory as part of a predisposition screen in an ostensibly healthy population. It had not been previously curated by ICSL or reported in the Human Gene Mutation Database (HGMD: prior to June 1st, 2018), and was therefore a candidate for classification through an automated scoring system. Utilizing variant allele frequency, disease prevalence and penetrance estimates, and inheritance mode, an automated score was calculated to assess if this variant is too frequent to cause the disease. Based on the score and internal cut-off values, a variant classified as benign is not then subjected to further curation. The score for this variant resulted in a classification of benign for this disease.

Illumina Laboratory Services, Illumina
Classification: Benign for Brain small vessel disease 1 with or without ocular anomalies. Last evaluated: 2018-01-13. Review status: criteria provided, single submitter. Criteria: ICSL Variant Classification Criteria 13 December 2019. Collection method: clinical testing. Allele origin: germline.
Comment: the same text as in the submission from Illumina Laboratory Services, Illumina above.

PreventionGenetics, part of Exact Sciences
Classification: Likely benign for COL4A1-related condition. Last evaluated: 2019-07-02. Review status: no assertion criteria provided. Collection method: clinical testing. Allele origin: germline. Not counted in ClinVar's aggregate classification.
Comment: This variant is classified as likely benign based on ACMG/AMP sequence variant interpretation guidelines (Richards et al. 2015 PMID: 25741868, with internal and published modifications).